The following is an entry in ClinVar:

NM_014297.5(ETHE1):c.461A>T (p.Asp154Val)

Gene: ETHE1 (ETHE1 persulfide dioxygenase; minus strand). Cytogenetic location: 19q13.31.
Variant type: single nucleotide variant.
Coding change: c.461A>T on transcript NM_014297.5 (MANE Select); coding-DNA position 461, A replaced by T.
Protein change: p.Asp154Val; replaces aspartic acid 154 with valine.
Molecular consequence: missense variant.
Genome position (GRCh38, 1-based): chr19:43,511,481, T>A on the plus strand (A>T on the coding strand, the complement: ETHE1 is on the minus strand). VCF-style: chr19-43511481-T-A. GRCh37 (hg19) VCF-style: chr19-44015633-T-A.
Other names: c.167A>T, p.Asp56Val (NM_001320869.2); c.428A>T, p.Asp143Val (NM_001320867.2); c.92A>T, p.Asp31Val (NM_001320868.2); short protein forms D143V, D154V, D31V, D56V.
Identifiers: ClinVar variation 2671797 (VCV002671797.1), dbSNP rs1971914729, ClinGen allele CA406175527.

ClinVar aggregate classification (germline): Uncertain significance (1 of 4 stars; one submission).

Conditions:
Ethylmalonic encephalopathy (EE). Also called: EPEMA syndrome; Encephalopathy, petechiae, and ethylmalonic aciduria; Syndrome of encephalopathy, petechiae, and ethylmalonic aciduria. Identifiers: Orphanet 51188, MedGen C1865349, MONDO:0011229, OMIM 602473. Disease mechanism: loss of function.

Submission:

Neuberg Centre For Genomic Medicine, NCGM
Classification: Uncertain significance for Ethylmalonic encephalopathy. Last evaluated: 2023-03-01. Review status: criteria provided, single submitter. Criteria: ACMG Guidelines, 2015. Collection method: clinical testing. Allele origin: germline. Inheritance: Autosomal recessive inheritance. Affected: yes.
Comment: The missense c.461A>T (p.Asp154Val) variant in ETHE1 gene has not been reported previously as a pathogenic variant nor as a benign variant, to our knowledge. The p.Asp154Val variant is novel (not in any individuals) in gnomAD Exomes and 1000 Genomes. This variant has not been reported to the ClinVar database. The amino acid change p.Asp154Val in ETHE1 is predicted as conserved by GERP++ and PhyloP across 100 vertebrates. The amino acid Asp at position 154 is changed to a Val changing protein sequence and it might alter its composition and physico-chemical properties. For these reasons, this variant has been classified as a Variant of Uncertain Significance (VUS).